The following is an entry in ClinVar:

NM_138927.4(SON):c.6388G>A (p.Asp2130Asn)

Gene: SON (SON DNA and RNA binding protein; plus strand). Cytogenetic location: 21q22.11.
Variant type: single nucleotide variant.
Coding change: c.6388G>A on transcript NM_138927.4 (MANE Select); coding-DNA position 6388, G replaced by A.
Protein change: p.Asp2130Asn; replaces aspartic acid 2130 with asparagine.
Molecular consequence: missense variant. On other transcripts: non-coding transcript variant (1).
Genome position (GRCh38, 1-based): chr21:33,559,296, G>A. VCF-style: chr21-33559296-G-A. GRCh37 (hg19) VCF-style: chr21-34931602-G-A.
Other names: c.472G>A, p.Asp158Asn (NM_001291412.3, NM_001412132.1); c.6388G>A, p.Asp2130Asn (NM_001412133.1, NM_032195.3, NM_138926.1); c.*184G>A (NM_058183.2); short protein forms D158N, D2130N.
Identifiers: ClinVar variation 2503166 (VCV002503166.1), dbSNP rs2517410310, ClinGen allele CA410118430.

ClinVar aggregate classification (germline): Uncertain significance (1 of 4 stars; one submission).

Submission:

GeneDx
Classification: Uncertain significance. Last evaluated: 2022-11-25. Review status: criteria provided, single submitter. Criteria: GeneDx Variant Classification Process June 2021. Collection method: clinical testing. Allele origin: germline. Affected: yes.
Comment: Not observed at significant frequency in large population cohorts (gnomAD); In silico analysis supports that this missense variant has a deleterious effect on protein structure/function; Has not been previously published as pathogenic or benign to our knowledge